The following is an entry in ClinVar:

NM_000334.4(SCN4A):c.808C>A (p.Gln270Lys)

Gene: SCN4A (sodium voltage-gated channel alpha subunit 4; minus strand). Cytogenetic location: 17q23.3.
Variant type: single nucleotide variant.
Coding change: c.808C>A on transcript NM_000334.4 (MANE Select); coding-DNA position 808, C replaced by A.
Protein change: p.Gln270Lys; replaces glutamine 270 with lysine.
Molecular consequence: missense variant.
Genome position (GRCh38, 1-based): chr17:63,968,251, G>T on the plus strand (C>A on the coding strand, the complement: SCN4A is on the minus strand). VCF-style: chr17-63968251-G-T. GRCh37 (hg19) VCF-style: chr17-62045611-G-T.
Other names: short protein forms Q270K.
Identifiers: ClinVar variation 657169 (VCV000657169.9), dbSNP rs1597985462, ClinGen allele CA400637663.

ClinVar aggregate classification (germline): Pathogenic (1 of 4 stars; one submission).

Conditions:
Hyperkalemic periodic paralysis. Also called: Familial hyperkalemic periodic paralysis; Gamstorp disease. Identifiers: Orphanet 682, MedGen C0238357, MONDO:0008224, OMIM 170500, HP:0007215.

Submission:

Labcorp Genetics (formerly Invitae), Labcorp
Classification: Pathogenic for Hyperkalemic periodic paralysis. Last evaluated: 2018-12-15. Review status: criteria provided, single submitter. Criteria: Invitae Variant Classification Sherloc (09022015). Collection method: clinical testing. Allele origin: germline.
Comment: For these reasons, this variant has been classified as Pathogenic. This variant has been reported to affect SCN4A protein function (PMID: 19221125). This variant has been observed to segregate with paramyotonia congenita in a family (PMID: 16786525), and in several affected individuals (PMID: 18166706, 16786525, Invitae). This variant is not present in population databases (ExAC no frequency). This sequence change replaces glutamine with lysine at codon 270 of the SCN4A protein (p.Gln270Lys). The glutamine residue is highly conserved and there is a small physicochemical difference between glutamine and lysine.

Literature cited by the submitters: PubMed 19221125; PubMed 16786525; PubMed 18166706.